The following is an entry in ClinVar:

ClinVar aggregate classification (germline): Uncertain significance (1 of 4 stars; one submission).

Conditions:
Renal cell carcinoma. Identifiers: Orphanet 217071, MedGen C0007134, MeSH D002292, MONDO:0005086, HP:0005584.

Submission:

Labcorp Genetics (formerly Invitae), Labcorp
Classification: Uncertain significance for Renal cell carcinoma. Last evaluated: 2024-05-23. Review status: criteria provided, single submitter. Criteria: Invitae Variant Classification Sherloc (09022015). Collection method: clinical testing. Allele origin: germline.
Comment: This sequence change replaces isoleucine, which is neutral and non-polar, with threonine, which is neutral and polar, at codon 953 of the MET protein (p.Ile953Thr). This variant is not present in population databases (gnomAD no frequency). This variant has not been reported in the literature in individuals affected with MET-related conditions. Advanced modeling of protein sequence and biophysical properties (such as structural, functional, and spatial information, amino acid conservation, physicochemical variation, residue mobility, and thermodynamic stability) performed at Invitae indicates that this missense variant is not expected to disrupt MET protein function with a negative predictive value of 80%. In summary, the available evidence is currently insufficient to determine the role of this variant in disease. Therefore, it has been classified as a Variant of Uncertain Significance.

NM_000245.4(MET):c.2804T>C (p.Ile935Thr)

Gene: MET (MET proto-oncogene, receptor tyrosine kinase; plus strand). Cytogenetic location: 7q31.2.
Variant type: single nucleotide variant.
Coding change: c.2804T>C on transcript NM_000245.4 (MANE Select); coding-DNA position 2804, T replaced by C.
Protein change: p.Ile935Thr; replaces isoleucine 935 with threonine.
Molecular consequence: missense variant.
Genome position (GRCh38, 1-based): chr7:116,771,571, T>C. VCF-style: chr7-116771571-T-C. GRCh37 (hg19) VCF-style: chr7-116411625-T-C.
Other names: c.2858T>C, p.Ile953Thr (NM_001127500.3); c.1514T>C, p.Ile505Thr (NM_001324402.2); short protein forms I953T, I505T, I935T.
Identifiers: ClinVar variation 3692185 (VCV003692185.2).